The following is an entry in ClinVar:

ClinVar aggregate classification (germline): Likely benign (0 of 4 stars; one submission).

Conditions:
SEC23IP-related disorder. Also called: SEC23IP-related condition.

Allele frequency attached by ClinVar (database versions not stated): gnomAD exomes 0.00008; gnomAD 0.00009; 1000 Genomes Project 0.00020; TOPMed 0.00024; 1000 Genomes Project 30x 0.00031; ExAC 0.00031.
gnomAD v4.1: 134 of 1,614,150 alleles (0.0083%); highest among the groups gnomAD compares: Admixed American, 0.22%; 1 homozygote.

Submission:

PreventionGenetics, part of Exact Sciences
Classification: Likely benign for SEC23IP-related condition. Last evaluated: 2022-12-13. Review status: no assertion criteria provided. Collection method: clinical testing. Allele origin: germline.
Comment: This variant is classified as likely benign based on ACMG/AMP sequence variant interpretation guidelines (Richards et al. 2015 PMID: 25741868, with internal and published modifications).

NM_007190.4(SEC23IP):c.1237A>G (p.Thr413Ala)

Gene: SEC23IP (SEC23 interacting protein; plus strand). Cytogenetic location: 10q26.12.
Variant type: single nucleotide variant.
Coding change: c.1237A>G on transcript NM_007190.4 (MANE Select); coding-DNA position 1237, A replaced by G.
Protein change: p.Thr413Ala; replaces threonine 413 with alanine.
Molecular consequence: missense variant. On other transcripts: non-coding transcript variant (1).
Genome position (GRCh38, 1-based): chr10:119,912,089, A>G. VCF-style: chr10-119912089-A-G. GRCh37 (hg19) VCF-style: chr10-121671601-A-G.
Other names: c.1237A>G, p.Thr413Ala (NM_001411070.1); short protein forms T413A.
Identifiers: ClinVar variation 3034390 (VCV003034390.2), dbSNP rs200433648, ClinGen allele CA5718493.